The following is an entry in ClinVar:

NM_006231.4(POLE):c.1426C>G (p.Pro476Ala)

Gene: POLE (DNA polymerase epsilon, catalytic subunit; minus strand). Cytogenetic location: 12q24.33.
Variant type: single nucleotide variant.
Coding change: c.1426C>G on transcript NM_006231.4 (MANE Select); coding-DNA position 1426, C replaced by G.
Protein change: p.Pro476Ala; replaces proline 476 with alanine.
Molecular consequence: missense variant.
Genome position (GRCh38, 1-based): chr12:132,673,211, G>C on the plus strand (C>G on the coding strand, the complement: POLE is on the minus strand). VCF-style: chr12-132673211-G-C. GRCh37 (hg19) VCF-style: chr12-133249797-G-C.
Other names: c.1426C>G (NM_006231.2); short protein forms P476A.
Identifiers: ClinVar variation 4745623 (VCV004745623.2).

ClinVar aggregate classification (germline): Uncertain significance. Review status: criteria provided, multiple submitters, no conflicts (2 of 4 stars). 2 submissions from 2 submitters: Uncertain significance (2). Last evaluated 2026-01-16.

Conditions:
Hereditary cancer-predisposing syndrome. Also called: Neoplastic Syndromes, Hereditary; Hereditary neoplastic syndrome; Tumor predisposition; Hereditary Cancer Syndrome. Identifiers: Orphanet 140162, MedGen C0027672, MeSH D009386, MONDO:0015356.

Submissions (2):

Ambry Genetics
Classification: Uncertain significance for Hereditary cancer-predisposing syndrome. Last evaluated: 2026-01-16. Review status: criteria provided, single submitter. Criteria: Ambry Variant Classification Scheme 2023. Collection method: clinical testing. Allele origin: germline.
Comment: The p.P476A variant (also known as c.1426C>G), located in coding exon 14 of the POLE gene, results from a C to G substitution at nucleotide position 1426. The proline at codon 476 is replaced by alanine, an amino acid with highly similar properties. This amino acid position is conserved. In addition, this alteration is predicted to be deleterious by in silico analysis. Based on the available evidence, the clinical significance of this variant remains unclear.

Labcorp Genetics (formerly Invitae), Labcorp
Classification: Uncertain significance. Last evaluated: 2025-09-16. Review status: criteria provided, single submitter. Criteria: Invitae Variant Classification Sherloc (09022015). Collection method: clinical testing. Allele origin: germline.
Comment: This sequence change replaces proline, which is neutral and non-polar, with alanine, which is neutral and non-polar, at codon 476 of the POLE protein (p.Pro476Ala). This variant is not present in population databases (gnomAD no frequency). This variant has not been reported in the literature in individuals affected with POLE-related conditions. Invitae Evidence Modeling of protein sequence and biophysical properties (such as structural, functional, and spatial information, amino acid conservation, physicochemical variation, residue mobility, and thermodynamic stability) indicates that this missense variant is expected to disrupt POLE protein function with a positive predictive value of 80%. In summary, the available evidence is currently insufficient to determine the role of this variant in disease. Therefore, it has been classified as a Variant of Uncertain Significance.